The following is an entry in ClinVar:

ClinVar aggregate classification (germline): Likely benign. Review status: criteria provided, multiple submitters, no conflicts (2 of 4 stars). 2 submissions from 2 submitters: Likely benign (2). Last evaluated 2026-08-01.

Conditions:
Inborn genetic diseases. Identifiers: MedGen C0950123, MeSH D030342.

gnomAD v4.1: 156 of 1,613,758 alleles (0.0097%); highest among the groups gnomAD compares: Non-Finnish European, 0.013%; no homozygotes.

Submissions (2):

CeGaT Center for Human Genetics Tuebingen
Classification: Likely benign. Last evaluated: 2026-08-01. Review status: criteria provided, single submitter. Criteria: CeGaT Center For Human Genetics Tuebingen Variant Classification Criteria Version 2. Collection method: clinical testing. Allele origin: germline. Affected: yes. Observed: 1 variant allele.
Comment: SRRM2: BS2

Ambry Genetics
Classification: Likely benign for Inborn genetic diseases. Last evaluated: 2024-08-20. Review status: criteria provided, single submitter. Criteria: Ambry Variant Classification Scheme 2023. Collection method: clinical testing. Allele origin: germline.

NM_016333.4(SRRM2):c.1907G>A (p.Arg636His)

Gene: SRRM2 (serine/arginine repetitive matrix 2; plus strand). Cytogenetic location: 16p13.3.
Variant type: single nucleotide variant.
Coding change: c.1907G>A on transcript NM_016333.4 (MANE Select); coding-DNA position 1907, G replaced by A.
Protein change: p.Arg636His; replaces arginine 636 with histidine.
Molecular consequence: missense variant.
Genome position (GRCh38, 1-based): chr16:2,762,435, G>A. VCF-style: chr16-2762435-G-A. GRCh37 (hg19) VCF-style: chr16-2812436-G-A.
Other names: short protein forms R636H.
Identifiers: ClinVar variation 3449543 (VCV003449543.2).